The following is an entry in ClinVar:

ClinVar aggregate classification (germline): Uncertain significance (1 of 4 stars; one submission).

Conditions:
Microphthalmia, syndromic 12 (MCOPS12). Also called: MICROPHTHALMIA WITH OR WITHOUT PULMONARY HYPOPLASIA, DIAPHRAGMATIC HERNIA, AND/OR CARDIAC DEFECTS. Identifiers: Orphanet 2470, Orphanet 689829, MedGen C3809803, MONDO:0014229, OMIM 615524.

Submission:

Labcorp Genetics (formerly Invitae), Labcorp
Classification: Uncertain significance for Microphthalmia, syndromic 12. Last evaluated: 2019-01-19. Review status: criteria provided, single submitter. Criteria: Invitae Variant Classification Sherloc (09022015). Collection method: clinical testing. Allele origin: germline.
Comment: In summary, the available evidence is currently insufficient to determine the role of this variant in disease. Therefore, it has been classified as a Variant of Uncertain Significance. Algorithms developed to predict the effect of missense changes on protein structure and function (SIFT, PolyPhen-2, Align-GVGD) all suggest that this variant is likely to be disruptive, but these predictions have not been confirmed by published functional studies and their clinical significance is uncertain. This variant has not been reported in the literature in individuals with RARB-related conditions. This variant is not present in population databases (ExAC no frequency). This sequence change replaces arginine with threonine at codon 269 of the RARB protein (p.Arg269Thr). The arginine residue is highly conserved and there is a moderate physicochemical difference between arginine and threonine.

NM_000965.5(RARB):c.806G>C (p.Arg269Thr)

Gene: RARB (retinoic acid receptor beta; plus strand). Cytogenetic location: 3p24.2.
Variant type: single nucleotide variant.
Coding change: c.806G>C on transcript NM_000965.5 (MANE Select); coding-DNA position 806, G replaced by C.
Protein change: p.Arg269Thr; replaces arginine 269 with threonine.
Molecular consequence: missense variant. On other transcripts: non-coding transcript variant (1), intron variant (1).
Genome position (GRCh38, 1-based): chr3:25,593,522, G>C. VCF-style: chr3-25593522-G-C. GRCh37 (hg19) VCF-style: chr3-25635013-G-C.
Other names: c.827G>C, p.Arg276Thr (NM_001290216.3); c.470G>C, p.Arg157Thr (NM_001290217.2, NM_001290276.2, NM_016152.4); c.659G>C, p.Arg220Thr (NM_001290266.2); c.677G>C, p.Arg226Thr (NM_001290300.2); c.787-119G>C (NM_001290277.1); short protein forms R157T, R220T, R226T, R276T, R269T.
Identifiers: ClinVar variation 862649 (VCV000862649.7), dbSNP rs1701696076, ClinGen allele CA351886200.
Genomic context (GRCh38, chr3:25,593,522, plus strand): 5'-AGGATGGCTTAGAACATCCATCAATTTTTTTTTCCTTCCAGATTCTTAGAATTTGCACCA[G>C]GTATACCCCAGAACAAGACACCATGACTTTCTCAGACGGCCTTACCCTAAATCGAACTCA-3'
Protein context (NP_000956.2, residues 259-279): LDILILRICT[Arg269Thr]YTPEQDTMTF